The following is an entry in ClinVar:

ClinVar aggregate classification (germline): Pathogenic. Review status: reviewed by expert panel (3 of 4 stars). 9 submissions from 9 submitters: Pathogenic (1). 8 of the submissions do not count toward it. Last evaluated 2016-09-08.

Conditions:
Hereditary breast ovarian cancer syndrome. Also called: Hereditary breast and ovarian cancer syndrome; Hereditary breast and ovarian cancer; Hereditary breast and ovarian cancer syndrome (HBOC); Breast and ovarian cancer; Hereditary breast and/or ovarian cancer syndrome; BRCA1- and BRCA2-Associated Hereditary Breast and Ovarian Cancer. Identifiers: Orphanet 145, MedGen C0677776, MeSH D061325, MONDO:0003582. Disease mechanism: loss of function.
Familial cancer of breast. Also called: BREAST CANCER, FAMILIAL; Hereditary breast cancer; hereditary breast carcinoma. Identifiers: Orphanet 227535, MedGen C0346153, MONDO:0016419, OMIM 114480. Disease mechanism: loss of function.
Hereditary cancer-predisposing syndrome. Also called: Neoplastic Syndromes, Hereditary; Tumor predisposition; Hereditary neoplastic syndrome; Hereditary Cancer Syndrome. Identifiers: Orphanet 140162, MedGen C0027672, MeSH D009386, MONDO:0015356.
Breast-ovarian cancer, familial, susceptibility to, 2 (BROVCA2). Also called: BRCA2 Hereditary Breast and Ovarian Cancer. Identifiers: Orphanet 145, MedGen C2675520, MONDO:0012933, OMIM 612555. Disease mechanism: loss of function.

Allele frequency attached by ClinVar (database versions not stated): gnomAD exomes below 0.00001; ExAC 0.00001.
gnomAD v4.1: 2 of 1,613,350 alleles (0.00012%); highest among the groups gnomAD compares: Non-Finnish European, 0.000085%; no homozygotes.

Submissions (9):

Evidence-based Network for the Interpretation of Germline Mutant Alleles (ENIGMA)
Classification: Pathogenic for Breast-ovarian cancer, familial, susceptibility to, 2. Last evaluated: 2016-09-08. Review status: reviewed by expert panel. Criteria: ENIGMA BRCA1/2 Classification Criteria (2015). Collection method: curation. Allele origin: germline.
Comment: Variant allele predicted to encode a truncated non-functional protein.

Labcorp Genetics (formerly Invitae), Labcorp
Classification: Pathogenic for Hereditary breast ovarian cancer syndrome. Last evaluated: 2024-08-05. Review status: criteria provided, single submitter. Criteria: Invitae Variant Classification Sherloc (09022015). Collection method: clinical testing. Allele origin: germline. Not counted in ClinVar's aggregate classification.
Comment: This sequence change creates a premature translational stop signal (p.Gln1925*) in the BRCA2 gene. It is expected to result in an absent or disrupted protein product. Loss-of-function variants in BRCA2 are known to be pathogenic (PMID: 20104584). This variant is present in population databases (rs80358806, gnomAD 0.0009%). This premature translational stop signal has been observed in individual(s) with clinical features of hereditary breast and ovarian cancer (PMID: 31825140). ClinVar contains an entry for this variant (Variation ID: 51933). For these reasons, this variant has been classified as Pathogenic.

Ambry Genetics
Classification: Pathogenic for Hereditary cancer-predisposing syndrome. Last evaluated: 2021-08-31. Review status: criteria provided, single submitter. Criteria: Ambry Variant Classification Scheme 2023. Collection method: clinical testing. Allele origin: germline. Not counted in ClinVar's aggregate classification.
Comment: The p.Q1925* pathogenic mutation (also known as c.5773C>T), located in coding exon 10 of the BRCA2 gene, results from a C to T substitution at nucleotide position 5773. This changes the amino acid from a glutamine to a stop codon within coding exon 10. This alteration is expected to result in loss of function by premature protein truncation or nonsense-mediated mRNA decay. As such, this alteration is interpreted as a disease-causing mutation.

Baylor Genetics
Classification: Pathogenic for Familial cancer of breast. Last evaluated: 2020-12-29. Review status: criteria provided, single submitter. Criteria: ACMG Guidelines, 2015. Collection method: clinical testing. Allele origin: unknown. Not counted in ClinVar's aggregate classification.

Color Diagnostics, LLC DBA Color Health
Classification: Pathogenic for Hereditary cancer-predisposing syndrome. Last evaluated: 2020-05-18. Review status: criteria provided, single submitter. Criteria: ACMG Guidelines, 2015. Collection method: clinical testing. Allele origin: germline. Not counted in ClinVar's aggregate classification.
Comment: This variant changes 1 nucleotide in exon 11 of the BRCA2 gene, creating a premature translation stop signal. This variant is expected to result in an absent or non-functional protein product. To our knowledge, this variant has not been reported in individuals affected with hereditary cancer in the literature. This variant has been identified in 1/250688 chromosomes in the general population by the Genome Aggregation Database (gnomAD). Loss of BRCA2 function is a known mechanism of disease. Based on the available evidence, this variant is classified as Pathogenic.

Revvity Omics, Revvity
Classification: Pathogenic. Last evaluated: 2020-01-06. Review status: criteria provided, single submitter. Criteria: ACMG Guidelines, 2015. Collection method: clinical testing. Allele origin: germline. Not counted in ClinVar's aggregate classification.

Research Molecular Genetics Laboratory, Women's College Hospital, University of Toronto
Classification: Pathogenic for Hereditary breast ovarian cancer syndrome. Last evaluated: 2014-01-31. Review status: no assertion criteria provided. Collection method: research. Allele origin: germline. Affected: yes. Study: The Canadian Open Genetics Repository (COGR). Not counted in ClinVar's aggregate classification.

Breast Cancer Information Core (BIC) (BRCA2)
Classification: Pathogenic for Breast-ovarian cancer, familial 2. Last evaluated: 2003-12-23. Review status: no assertion criteria provided. Collection method: clinical testing. Allele origin: germline. Affected: yes. Observed: 1 variant allele. Not counted in ClinVar's aggregate classification.

Department of Pathology and Laboratory Medicine, Sinai Health System
Classification: Pathogenic. Review status: no assertion criteria provided. Collection method: clinical testing. Allele origin: unknown. Affected: yes. Observed: 2 variant alleles. Study: The Canadian Open Genetics Repository (COGR). Not counted in ClinVar's aggregate classification.

Literature cited by the submitters: PubMed 20104584 (cited by Labcorp Genetics (formerly Invitae), Labcorp); PubMed 31825140 (cited by Labcorp Genetics (formerly Invitae), Labcorp and Ambry Genetics); PubMed 29922827 (cited by Ambry Genetics).

NM_000059.4(BRCA2):c.5773C>T (p.Gln1925Ter)

Gene: BRCA2 (BRCA2 DNA repair associated; plus strand). Cytogenetic location: 13q13.1.
Variant type: single nucleotide variant.
Coding change: c.5773C>T on transcript NM_000059.4 (MANE Select); coding-DNA position 5773, C replaced by T.
Protein change: p.Gln1925Ter; replaces glutamine 1925 with a stop codon.
Molecular consequence: nonsense.
Genome position (GRCh38, 1-based): chr13:32,340,128, C>T. VCF-style: chr13-32340128-C-T. GRCh37 (hg19) VCF-style: chr13-32914265-C-T.
Other names: short protein forms Q1925*.
Identifiers: ClinVar variation 51933 (VCV000051933.17), dbSNP rs80358806, ClinGen allele CA023205.